The following is an entry in ClinVar:

ClinVar aggregate classification (germline): Pathogenic/Likely pathogenic. Review status: criteria provided, multiple submitters, no conflicts (2 of 4 stars). 5 submissions from 5 submitters: Pathogenic (2); Likely pathogenic (1). 2 of the submissions do not count toward it. Last evaluated 2024-12-10.

Conditions:
Microcephaly and chorioretinopathy 1. Also called: Microcephaly and chorioretinopathy, autosomal recessive, 1. Identifiers: MedGen C3278481, MONDO:0009624, OMIM 251270.
Microcephaly with or without chorioretinopathy, lymphedema, or impaired intellectual development. Also called: MICROCEPHALY AND CHORIORETINOPATHY WITH OR WITHOUT MENTAL RETARDATION, AUTOSOMAL DOMINANT; MICROCEPHALY, LYMPHEDEMA, CHORIORETINAL DYSPLASIA SYNDROME; Microcephaly lymphedema chorioretinal dysplasia; Microcephaly with or without chorioretinopathy, lymphedema, or mental retardation; Microcephaly with or without chorioretinopathy, lymphedema, or intellectual disability. Identifiers: Orphanet 2526, MedGen C1835265, MONDO:0007918, OMIM 152950.
KIF11-related disorder. Also called: KIF11-related condition.

Submissions (5):

GeneDx
Classification: Pathogenic. Last evaluated: 2024-12-10. Review status: criteria provided, single submitter. Criteria: GeneDx Variant Classification Process June 2021. Collection method: clinical testing. Allele origin: germline. Affected: yes.
Comment: Frameshift variant predicted to result in protein truncation or nonsense mediated decay in a gene for which loss of function is a known mechanism of disease; Not observed at significant frequency in large population cohorts (gnomAD); This variant is associated with the following publications: (PMID: 37089697)

3billion
Classification: Pathogenic for Microcephaly with or without chorioretinopathy, lymphedema, or impaired intellectual development. Last evaluated: 2021-10-02. Review status: criteria provided, single submitter. Criteria: ACMG Guidelines, 2015. Collection method: clinical testing. Allele origin: unknown. Affected: yes. Observed: 1 heterozygote.
Comment: Frameshift: predicted to result in a loss or disruption of normal protein function through nonsense-mediated decay (NMD) or protein truncation. Multiple pathogenic variants are reported downstream of the variant (PVS1_VS). It is not observed in the gnomAD v2.1.1 dataset (PM2). The variant has been reported as pathogenic (ClinVar ID: VCV000977910.2). Therefore, this variant is classified as pathogenic according to the recommendation of ACMG/AMP guideline.

Blueprint Genetics
Classification: Likely pathogenic for KIF11-related disorders. Last evaluated: 2019-02-01. Review status: criteria provided, single submitter. Criteria: ACMG Guidelines, 2015. Collection method: clinical testing. Allele origin: germline. Affected: yes. Observed: 1 variant allele.

Centre de Biologie Pathologie Génétique, Centre Hospitalier Universitaire de Lille
Classification: Pathogenic for Microcephaly and chorioretinopathy 1. Last evaluated: 2020-01-01. Review status: no assertion criteria provided. Collection method: clinical testing. Allele origin: germline. Affected: yes. Not counted in ClinVar's aggregate classification.

Service de Génétique Moléculaire, Hôpital Robert Debré
Classification: Likely pathogenic for Microcephaly with or without chorioretinopathy, lymphedema, or impaired intellectual development. Review status: no assertion criteria provided. Collection method: clinical testing. Allele origin: unknown. Affected: yes. Not counted in ClinVar's aggregate classification.

NM_004523.4(KIF11):c.2514_2518del (p.Asn838fs)

Gene: KIF11 (kinesin family member 11; plus strand). Cytogenetic location: 10q23.33.
Variant type: Deletion.
Coding change: c.2514_2518del on transcript NM_004523.4 (MANE Select); coding-DNA positions 2514 to 2518, 5 bases deleted (TGAAA; older notation c.2514_2518delTGAAA).
Protein change: p.Asn838fs; shifts the reading frame from asparagine 838.
Molecular consequence: frameshift variant.
Genome position (GRCh38, 1-based): chr10:92,645,609-92,645,613, TGAAA deleted; deleting any 5 consecutive bases within chr10:92,645,606-92,645,613 gives the same sequence; the c. name uses the placement nearest the transcript's 3' end. VCF-style (leftmost placement, unchanged base first): chr10-92645605-TAAATG-T. GRCh37 (hg19) VCF-style: chr10-94405362-TAAATG-T.
Other names: c.2514_2518del (NM_004523.3); short protein forms N838fs.
Identifiers: ClinVar variation 977910 (VCV000977910.5), dbSNP rs2492536872, ClinGen allele CA1139661628.